The following is an entry in ClinVar:

NM_020433.5(JPH2):c.1442A>C (p.Glu481Ala)

Gene: JPH2 (junctophilin 2; minus strand). Cytogenetic location: 20q13.12.
Variant type: single nucleotide variant.
Coding change: c.1442A>C on transcript NM_020433.5 (MANE Select); coding-DNA position 1442, A replaced by C.
Protein change: p.Glu481Ala; replaces glutamic acid 481 with alanine.
Molecular consequence: missense variant.
Genome position (GRCh38, 1-based): chr20:44,116,233, T>G on the plus strand (A>C on the coding strand, the complement: JPH2 is on the minus strand). VCF-style: chr20-44116233-T-G. GRCh37 (hg19) VCF-style: chr20-42744873-T-G.
Other names: short protein forms E481A.
Identifiers: ClinVar variation 2705023 (VCV002705023.3), dbSNP rs2515718418, ClinGen allele CA409100621.

ClinVar aggregate classification (germline): Uncertain significance (1 of 4 stars; one submission).

Conditions:
Hypertrophic cardiomyopathy. Also called: HYPERTROPHIC MYOCARDIOPATHY. Identifiers: Orphanet 217569, MedGen C0007194, MeSH D002312, MONDO:0005045, HP:0001639.

Submission:

Labcorp Genetics (formerly Invitae), Labcorp
Classification: Uncertain significance for Hypertrophic cardiomyopathy. Last evaluated: 2023-05-24. Review status: criteria provided, single submitter. Criteria: Invitae Variant Classification Sherloc (09022015). Collection method: clinical testing. Allele origin: germline.
Comment: In summary, the available evidence is currently insufficient to determine the role of this variant in disease. Therefore, it has been classified as a Variant of Uncertain Significance. An algorithm developed to predict the effect of missense changes on protein structure and function (PolyPhen-2) suggests that this variant is likely to be tolerated. This variant has not been reported in the literature in individuals affected with JPH2-related conditions. This variant is not present in population databases (gnomAD no frequency). This sequence change replaces glutamic acid, which is acidic and polar, with alanine, which is neutral and non-polar, at codon 481 of the JPH2 protein (p.Glu481Ala).